The following is an entry in ClinVar:

NM_001130438.3(SPTAN1):c.5725G>A (p.Ala1909Thr)

Gene: SPTAN1 (spectrin alpha, non-erythrocytic 1; plus strand). Cytogenetic location: 9q34.11.
Variant type: single nucleotide variant.
Coding change: c.5725G>A on transcript NM_001130438.3 (MANE Select); coding-DNA position 5725, G replaced by A.
Protein change: p.Ala1909Thr; replaces alanine 1909 with threonine.
Molecular consequence: missense variant.
Genome position (GRCh38, 1-based): chr9:128,618,995, G>A. VCF-style: chr9-128618995-G-A. GRCh37 (hg19) VCF-style: chr9-131381274-G-A.
Other names: c.5650G>A, p.Ala1884Thr (NM_001195532.2); c.5725G>A, p.Ala1909Thr (NM_001363759.2, NM_001375310.1, NM_001375311.2 and 1 more transcripts); c.5665G>A, p.Ala1889Thr (NM_001363765.2, NM_001375314.2); c.5761G>A, p.Ala1921Thr (NM_001375312.2, NM_001375318.1); c.5710G>A, p.Ala1904Thr (NM_003127.4); short protein forms A1884T, A1889T, A1904T, A1909T, A1921T.
Identifiers: ClinVar variation 1809636 (VCV001809636.7), dbSNP rs773492406, ClinGen allele CA5265536.

ClinVar aggregate classification (germline): Uncertain significance. Review status: criteria provided, multiple submitters, no conflicts (2 of 4 stars). 2 submissions from 2 submitters: Uncertain significance (2). Last evaluated 2023-10-04.

Conditions:
Early-infantile DEE. Also called: Early infantile epileptic encephalopathy with suppression bursts; Early infantile epileptic encephalopathy; Ohtahara syndrome. Identifiers: Orphanet 1934, MedGen C0393706, MONDO:0800491.

Allele frequency attached by ClinVar (database versions not stated): gnomAD 0.00001; gnomAD exomes 0.00002; TOPMed 0.00002; ExAC 0.00004.
gnomAD v4.1: 25 of 1,613,646 alleles (0.0015%); highest among the groups gnomAD compares: South Asian, 0.016%; no homozygotes.

Submissions (2):

Labcorp Genetics (formerly Invitae), Labcorp
Classification: Uncertain significance for Early-infantile DEE. Last evaluated: 2023-10-04. Review status: criteria provided, single submitter. Criteria: Invitae Variant Classification Sherloc (09022015). Collection method: clinical testing. Allele origin: germline.
Comment: This sequence change replaces alanine, which is neutral and non-polar, with threonine, which is neutral and polar, at codon 1909 of the SPTAN1 protein (p.Ala1909Thr). This variant is present in population databases (rs773492406, gnomAD 0.02%). This variant has not been reported in the literature in individuals affected with SPTAN1-related conditions. ClinVar contains an entry for this variant (Variation ID: 1809636). Advanced modeling of protein sequence and biophysical properties (such as structural, functional, and spatial information, amino acid conservation, physicochemical variation, residue mobility, and thermodynamic stability) has been performed at Invitae for this missense variant, however the output from this modeling did not meet the statistical confidence thresholds required to predict the impact of this variant on SPTAN1 protein function. In summary, the available evidence is currently insufficient to determine the role of this variant in disease. Therefore, it has been classified as a Variant of Uncertain Significance.

Dubai Health Genomic Medicine Center, Dubai Health
Classification: Uncertain significance. Last evaluated: 2022-12-17. Review status: criteria provided, single submitter. Criteria: ACMG Guidelines, 2015. Collection method: clinical testing. Allele origin: germline. Affected: yes.